The following is an entry in ClinVar:

NM_020461.4(TUBGCP6):c.2510C>T (p.Pro837Leu)

Gene: TUBGCP6 (tubulin gamma complex component 6; minus strand). Cytogenetic location: 22q13.33.
Variant type: single nucleotide variant.
Coding change: c.2510C>T on transcript NM_020461.4 (MANE Select); coding-DNA position 2510, C replaced by T.
Protein change: p.Pro837Leu; replaces proline 837 with leucine.
Molecular consequence: missense variant.
Genome position (GRCh38, 1-based): chr22:50,221,849, G>A on the plus strand (C>T on the coding strand, the complement: TUBGCP6 is on the minus strand). VCF-style: chr22-50221849-G-A. GRCh37 (hg19) VCF-style: chr22-50660278-G-A.
Other names: short protein forms P837L.
Identifiers: ClinVar variation 1958721 (VCV001958721.6), dbSNP rs2064529344, ClinGen allele CA412097798.

ClinVar aggregate classification (germline): Uncertain significance. Review status: criteria provided, multiple submitters, no conflicts (2 of 4 stars). 2 submissions from 2 submitters: Uncertain significance (2). Last evaluated 2022-06-13.

Conditions:
Inborn genetic diseases. Identifiers: MedGen C0950123, MeSH D030342.

Allele frequency attached by ClinVar (database versions not stated): TOPMed below 0.00001; gnomAD 0.00001; gnomAD exomes 0.00002.
gnomAD v4.1: 29 of 1,511,768 alleles (0.0019%); highest among the groups gnomAD compares: Non-Finnish European, 0.0025%; no homozygotes.

Submissions (2):

Labcorp Genetics (formerly Invitae), Labcorp
Classification: Uncertain significance. Last evaluated: 2022-06-13. Review status: criteria provided, single submitter. Criteria: Invitae Variant Classification Sherloc (09022015). Collection method: clinical testing. Allele origin: germline.
Comment: In summary, the available evidence is currently insufficient to determine the role of this variant in disease. Therefore, it has been classified as a Variant of Uncertain Significance. Algorithms developed to predict the effect of missense changes on protein structure and function output the following: SIFT: "Tolerated"; PolyPhen-2: "Benign"; Align-GVGD: "Class C0". The leucine amino acid residue is found in multiple mammalian species, which suggests that this missense change does not adversely affect protein function. This variant has not been reported in the literature in individuals affected with TUBGCP6-related conditions. This variant is not present in population databases (gnomAD no frequency). This sequence change replaces proline, which is neutral and non-polar, with leucine, which is neutral and non-polar, at codon 837 of the TUBGCP6 protein (p.Pro837Leu).

Ambry Genetics
Classification: Uncertain significance for Inborn genetic diseases. Last evaluated: 2021-02-24. Review status: criteria provided, single submitter. Criteria: Ambry Variant Classification Scheme 2023. Collection method: clinical testing. Allele origin: germline.